The following is an entry in ClinVar:

NC_000017.11:g.(?_31155963)_(31374175_?)del

Genes: EVI2A (ecotropic viral integration site 2A; minus strand), EVI2B (ecotropic viral integration site 2B; minus strand), NF1 (neurofibromin 1; plus strand), OMG (oligodendrocyte myelin glycoprotein; minus strand), LOC108281181 (NF1 intron 8 Alu-mediated recombination region; plus strand) and 7 more. Cytogenetic location: 17q11.2.
Variant type: Deletion.
Identifiers: ClinVar variation 647950 (VCV000647950.1).

ClinVar aggregate classification (germline): Pathogenic (1 of 4 stars; one submission).

Conditions:
Neurofibromatosis, type 1 (NF1). Also called: VON RECKLINGHAUSEN DISEASE; Neurofibromatosis, type I; NEUROFIBROMATOSIS, TYPE I, SOMATIC; Peripheral type neurofibromatosis. Identifiers: Orphanet 636, MedGen C0027831, MONDO:0018975, OMIM 162200. Disease mechanism: loss of function.

Submission:

Labcorp Genetics (formerly Invitae), Labcorp
Classification: Pathogenic for Neurofibromatosis, type 1. Last evaluated: 2018-10-15. Review status: criteria provided, single submitter. Criteria: Invitae Variant Classification Sherloc (09022015). Collection method: clinical testing. Allele origin: germline.
Comment: This variant is a gross deletion of the genomic region encompassing exons 2-57 of the NF1 gene. The 5' boundary is likely confined to intron 1. The 3' end of this event is unknown as it extends through the termination codon beyond the assayed region for this gene and may encompass additional genes. While this deletion is not anticipated to result in nonsense mediated decay, it is expected to create a truncated protein product or disrupt mRNA translation. This variant has not been reported in the literature in individuals with NF1-related disease. However, several large deletions of NF1 that include the final exon have been reported in individuals with neurofibromatosis type 1 (PMID: 26189818, 26740943). For these reasons, this variant has been classified as Pathogenic.

Literature cited by the submitters: PubMed 26189818; PubMed 26740943.